The following is an entry in ClinVar:

NM_003590.5(CUL3):c.1874G>A (p.Arg625Lys)

Gene: CUL3 (cullin 3; minus strand). Cytogenetic location: 2q36.2.
Variant type: single nucleotide variant.
Coding change: c.1874G>A on transcript NM_003590.5 (MANE Select); coding-DNA position 1874, G replaced by A.
Protein change: p.Arg625Lys; replaces arginine 625 with lysine.
Molecular consequence: missense variant.
Genome position (GRCh38, 1-based): chr2:224,482,047, C>T on the plus strand (G>A on the coding strand, the complement: CUL3 is on the minus strand). VCF-style: chr2-224482047-C-T. GRCh37 (hg19) VCF-style: chr2-225346764-C-T.
Other names: c.1676G>A, p.Arg559Lys (NM_001257197.2); c.1892G>A, p.Arg631Lys (NM_001257198.2); short protein forms R559K, R625K, R631K.
Identifiers: ClinVar variation 3360036 (VCV003360036.1).

ClinVar aggregate classification (germline): Uncertain significance (1 of 4 stars; one submission).

Submission:

GeneDx
Classification: Uncertain significance. Last evaluated: 2023-06-16. Review status: criteria provided, single submitter. Criteria: GeneDx Variant Classification Process June 2021. Collection method: clinical testing. Allele origin: germline. Affected: yes.
Comment: Not observed at significant frequency in large population cohorts (gnomAD); In silico analysis supports that this missense variant does not alter protein structure/function; Has not been previously published as pathogenic or benign to our knowledge